The following is an entry in ClinVar:

ClinVar aggregate classification (germline): Benign. Review status: criteria provided, single submitter (1 of 4 stars). 3 submissions from 3 submitters: Benign (1). 2 of the submissions do not count toward it. Last evaluated 2026-01-28.

Conditions:
Deficiency of alpha-mannosidase (MANSA). Also called: LYSOSOMAL ALPHA-D-MANNOSIDASE DEFICIENCY; Mannosidosis, alpha-, types I and II; Alpha-Mannosidosis. Identifiers: Orphanet 61, MedGen C0024748, MONDO:0009561, OMIM 248500.
MAN2B1-related disorder. Also called: MAN2B1-related condition.

Allele frequency attached by ClinVar (database versions not stated): ESP Exome Variant Server 0.00008; TOPMed 0.00003; gnomAD 0.00016 and 0.00004; gnomAD exomes 0.00035 and 0.00074; ExAC 0.00092; 1000 Genomes Project 30x 0.00203; 1000 Genomes Project 0.00240.

Submissions (3):

Labcorp Genetics (formerly Invitae), Labcorp
Classification: Benign for Deficiency of alpha-mannosidase. Last evaluated: 2026-01-28. Review status: criteria provided, single submitter. Criteria: Invitae Variant Classification Sherloc (09022015). Collection method: clinical testing. Allele origin: germline.

Natera, Inc.
Classification: Benign for Alpha-mannosidosis. Last evaluated: 2020-01-10. Review status: no assertion criteria provided. Collection method: clinical testing. Allele origin: germline. Not counted in ClinVar's aggregate classification.

PreventionGenetics, part of Exact Sciences
Classification: Likely benign for MAN2B1-related condition. Last evaluated: 2019-11-22. Review status: no assertion criteria provided. Collection method: clinical testing. Allele origin: germline. Not counted in ClinVar's aggregate classification.
Comment: This variant is classified as likely benign based on ACMG/AMP sequence variant interpretation guidelines (Richards et al. 2015 PMID: 25741868, with internal and published modifications).

NM_000528.4(MAN2B1):c.2884C>T (p.Arg962Cys)

Gene: MAN2B1 (mannosidase alpha class 2B member 1; minus strand). Cytogenetic location: 19p13.13.
Variant type: single nucleotide variant.
Coding change: c.2884C>T on transcript NM_000528.4 (MANE Select); coding-DNA position 2884, C replaced by T.
Protein change: p.Arg962Cys; replaces arginine 962 with cysteine.
Molecular consequence: missense variant.
Genome position (GRCh38, 1-based): chr19:12,647,272, G>A on the plus strand (C>T on the coding strand, the complement: MAN2B1 is on the minus strand). VCF-style: chr19-12647272-G-A. GRCh37 (hg19) VCF-style: chr19-12758086-G-A.
Other names: c.2881C>T, p.Arg961Cys (NM_001173498.2); short protein forms R961C, R962C.
Identifiers: ClinVar variation 749278 (VCV000749278.13), dbSNP rs370276057, ClinGen allele CA9225889.